The following is an entry in ClinVar:

ClinVar aggregate classification (germline): Likely benign. Review status: criteria provided, single submitter (1 of 4 stars). 2 submissions from 2 submitters: Likely benign (1). 1 of the submissions does not count toward it. Last evaluated 2025-12-15.

Conditions:
Kabuki syndrome. Also called: Kabuki make-up syndrome; NIIKAWA-KUROKI SYNDROME. Identifiers: Orphanet 2322, MedGen C0796004, MONDO:0016512.
KMT2D-related disorder. Also called: KMT2D-Related Disorders.

Submissions (2):

Labcorp Genetics (formerly Invitae), Labcorp
Classification: Likely benign for Kabuki syndrome. Last evaluated: 2025-12-15. Review status: criteria provided, single submitter. Criteria: Invitae Variant Classification Sherloc (09022015). Collection method: clinical testing. Allele origin: germline.

PreventionGenetics, part of Exact Sciences
Classification: Likely benign for KMT2D-related condition. Last evaluated: 2023-08-23. Review status: no assertion criteria provided. Collection method: clinical testing. Allele origin: germline. Not counted in ClinVar's aggregate classification.
Comment: This variant is classified as likely benign based on ACMG/AMP sequence variant interpretation guidelines (Richards et al. 2015 PMID: 25741868, with internal and published modifications).

NM_003482.4(KMT2D):c.11738AGC[4] (p.Gln3917_Gln3919del)

Gene: KMT2D (lysine methyltransferase 2D; minus strand). Cytogenetic location: 12q13.12.
Variant type: Microsatellite.
Coding change: c.11738AGC[4] on transcript NM_003482.4 (MANE Select); four copies in a row of the 3-base unit AGC starting at c.11738; the reference has seven copies in a row; three copies, 9 bases deleted.
Protein change: p.Gln3917_Gln3919del.
Molecular consequence: inframe deletion. On other transcripts: inframe indel (1).
Genome position (GRCh38, 1-based): chr12:49,032,947-49,032,955, GCTGCTGCT deleted on the plus strand (AGCAGCAGC on the coding strand, the reverse complement: KMT2D is on the minus strand); deleting any 9 consecutive bases within chr12:49,032,947-49,032,968 gives the same sequence; the position shown is the placement nearest the transcript's 3' end. VCF-style (leftmost placement, unchanged base first): chr12-49032946-AGCTGCTGCT-A. GRCh37 (hg19) VCF-style: chr12-49426729-AGCTGCTGCT-A.
Other names: c.11750_11758del9 (NM_003482.3); c.11737_11739CAG[4], p.Gln3917_Gln3919del (NM_003482.3).
Identifiers: ClinVar variation 1994989 (VCV001994989.6), dbSNP rs576788910, ClinGen allele CA6546298.
Genomic context (GRCh38, chr12:49,032,946, plus strand): 5'-AGCTGCTGCTGCTGTTGCTGCTGTTGAAGCTGTTGCTGCTGAAGTTGCTGTTGCTGTTGT[AGCTGCTGCT>A]GCTGCTGCTGCTGAAGTTGCTGTTGCTGTTGCAGCTGCTGCTGCTGCTGAAGCTGCTGTA-3'